The following is an entry in ClinVar:

ClinVar aggregate classification (germline): Conflicting classifications of pathogenicity. Review status: criteria provided, conflicting classifications (1 of 4 stars). 3 submissions from 3 submitters: Uncertain significance (2); Likely benign (1). Last evaluated 2025-06-25.

Conditions:
Hereditary cancer-predisposing syndrome. Also called: Hereditary neoplastic syndrome; Neoplastic Syndromes, Hereditary; Tumor predisposition; Hereditary Cancer Syndrome. Identifiers: Orphanet 140162, MedGen C0027672, MeSH D009386, MONDO:0015356.
Hereditary breast ovarian cancer syndrome. Also called: Hereditary breast and ovarian cancer syndrome (HBOC); Breast and ovarian cancer; Hereditary breast and ovarian cancer syndrome; Hereditary breast and ovarian cancer; Hereditary breast and/or ovarian cancer syndrome; BRCA1- and BRCA2-Associated Hereditary Breast and Ovarian Cancer. Identifiers: Orphanet 145, MedGen C0677776, MeSH D061325, MONDO:0003582. Disease mechanism: loss of function.
Breast-ovarian cancer, familial, susceptibility to, 2 (BROVCA2). Also called: BRCA2 Hereditary Breast and Ovarian Cancer. Identifiers: Orphanet 145, MedGen C2675520, MONDO:0012933, OMIM 612555. Disease mechanism: loss of function.

Submissions (3):

Ambry Genetics
Classification: Likely benign for Hereditary cancer-predisposing syndrome. Last evaluated: 2025-06-25. Review status: criteria provided, single submitter. Criteria: Ambry Variant Classification Scheme 2023. Collection method: clinical testing. Allele origin: germline.

Labcorp Genetics (formerly Invitae), Labcorp
Classification: Uncertain significance for Hereditary breast ovarian cancer syndrome. Last evaluated: 2024-04-13. Review status: criteria provided, single submitter. Criteria: Invitae Variant Classification Sherloc (09022015). Collection method: clinical testing. Allele origin: germline.
Comment: This sequence change replaces serine, which is neutral and polar, with glycine, which is neutral and non-polar, at codon 3400 of the BRCA2 protein (p.Ser3400Gly). This variant is not present in population databases (gnomAD no frequency). This variant has not been reported in the literature in individuals affected with BRCA2-related conditions. ClinVar contains an entry for this variant (Variation ID: 481598). Advanced modeling of protein sequence and biophysical properties (such as structural, functional, and spatial information, amino acid conservation, physicochemical variation, residue mobility, and thermodynamic stability) performed at Invitae indicates that this missense variant is not expected to disrupt BRCA2 protein function with a negative predictive value of 95%. RNA analysis performed to evaluate the impact of this missense change on mRNA splicing indicates it does not significantly alter splicing (Invitae). In summary, the available evidence is currently insufficient to determine the role of this variant in disease. Therefore, it has been classified as a Variant of Uncertain Significance.

All of Us Research Program, National Institutes of Health
Classification: Uncertain significance for Breast-ovarian cancer, familial, susceptibility to, 2. Last evaluated: 2023-10-23. Review status: criteria provided, single submitter. Criteria: ACMG Guidelines, 2015. Collection method: clinical testing. Allele origin: germline. Inheritance: Autosomal dominant inheritance. Observed: 1 variant allele, 1 heterozygote.
Comment: This missense variant replaces serine with glycine at codon 3400 of the BRCA2 protein. Computational prediction suggests that this variant may not impact protein structure and function (internally defined REVEL score threshold <= 0.5, PMID: 27666373). To our knowledge, functional studies have not been reported for this variant. This variant has not been reported in individuals affected with BRCA2-related disorders in the literature. This variant has not been identified in the general population by the Genome Aggregation Database (gnomAD). The available evidence is insufficient to determine the role of this variant in disease conclusively. Therefore, this variant is classified as a Variant of Uncertain Significance.

This study involves interpretation of variants in research participants for the purpose of population health screening. Participant phenotype was not available at the time of variant classification. Additional details can be found in publication PMID: 35346344, PMCID: PMC8962531

NM_000059.4(BRCA2):c.10198A>G (p.Ser3400Gly)

Gene: BRCA2 (BRCA2 DNA repair associated; plus strand). Cytogenetic location: 13q13.1.
Variant type: single nucleotide variant.
Coding change: c.10198A>G on transcript NM_000059.4 (MANE Select); coding-DNA position 10198, A replaced by G.
Protein change: p.Ser3400Gly; replaces serine 3400 with glycine.
Molecular consequence: missense variant.
Genome position (GRCh38, 1-based): chr13:32,398,711, A>G. VCF-style: chr13-32398711-A-G. GRCh37 (hg19) VCF-style: chr13-32972848-A-G.
Other names: short protein forms S3400G.
Identifiers: ClinVar variation 481598 (VCV000481598.10), dbSNP rs1555290068, ClinGen allele CA387768393.
Genomic context (GRCh38, chr13:32,398,711, plus strand): 5'-CTCAGACTGAAACGACGTTGTACTACATCTCTGATCAAAGAACAGGAGAGTTCCCAGGCC[A>G]GTACGGAAGAATGTGAGAAAAATAAGCAGGACACAATTACAACTAAAAAATATATCTAAG-3'
Protein context (NP_000050.3, residues 3390-3410): LIKEQESSQA[Ser3400Gly]TEECEKNKQD